The following is an entry in ClinVar:

ClinVar aggregate classification (germline): Uncertain significance. Review status: criteria provided, multiple submitters, no conflicts (2 of 4 stars). 2 submissions from 2 submitters: Uncertain significance (2). Last evaluated 2024-12-09.

Conditions:
Familial thoracic aortic aneurysm and aortic dissection (TAAD). Also called: Thoracic aortic aneurysms and dissections. Identifiers: Orphanet 91387, MedGen C4707243, MONDO:0019625.

gnomAD v4.1: 1 of 1,589,004 alleles (0.000063%); highest among the groups gnomAD compares: South Asian, 0.0012%; no homozygotes.

Submissions (2):

GeneDx
Classification: Uncertain significance. Last evaluated: 2024-12-09. Review status: criteria provided, single submitter. Criteria: GeneDx Variant Classification Process June 2021. Collection method: clinical testing. Allele origin: germline. Affected: yes.
Comment: Not observed at significant frequency in large population cohorts (gnomAD); In silico analysis indicates that this missense variant does not alter protein structure/function; Has not been previously published as pathogenic or benign to our knowledge

Labcorp Genetics (formerly Invitae), Labcorp
Classification: Uncertain significance for Familial thoracic aortic aneurysm and aortic dissection. Last evaluated: 2023-10-04. Review status: criteria provided, single submitter. Criteria: Invitae Variant Classification Sherloc (09022015). Collection method: clinical testing. Allele origin: germline.
Comment: This sequence change replaces aspartic acid, which is acidic and polar, with glutamic acid, which is acidic and polar, at codon 201 of the SMAD3 protein (p.Asp201Glu). This variant is not present in population databases (gnomAD no frequency). This variant has not been reported in the literature in individuals affected with SMAD3-related conditions. Advanced modeling of protein sequence and biophysical properties (such as structural, functional, and spatial information, amino acid conservation, physicochemical variation, residue mobility, and thermodynamic stability) performed at Invitae indicates that this missense variant is not expected to disrupt SMAD3 protein function. In summary, the available evidence is currently insufficient to determine the role of this variant in disease. Therefore, it has been classified as a Variant of Uncertain Significance.

NM_005902.4(SMAD3):c.603C>G (p.Asp201Glu)

Gene: SMAD3 (SMAD family member 3; plus strand). Cytogenetic location: 15q22.33.
Variant type: single nucleotide variant.
Coding change: c.603C>G on transcript NM_005902.4 (MANE Select); coding-DNA position 603, C replaced by G.
Protein change: p.Asp201Glu; replaces aspartic acid 201 with glutamic acid.
Molecular consequence: missense variant.
Genome position (GRCh38, 1-based): chr15:67,166,849, C>G. VCF-style: chr15-67166849-C-G. GRCh37 (hg19) VCF-style: chr15-67459187-C-G.
Other names: c.288C>G, p.Asp96Glu (NM_001145102.2, NM_001407016.1); c.471C>G, p.Asp157Glu (NM_001145103.2, NM_001407012.1); c.18C>G, p.Asp6Glu (NM_001145104.2, NM_001407017.1); c.603C>G, p.Asp201Glu (NM_001407011.1, NM_001407013.1); c.456C>G, p.Asp152Glu (NM_001407014.1); c.156C>G, p.Asp52Glu (NM_001407015.1); c.603C>G (NM_005902.3); short protein forms D6E, D152E, D157E, D96E, D201E, D52E.
Identifiers: ClinVar variation 2978894 (VCV002978894.4), dbSNP rs774814963, ClinGen allele CA392954869.